The following is an entry in ClinVar:

NM_002617.4(PEX10):c.364G>A (p.Asp122Asn)

Gene: PEX10 (peroxisomal biogenesis factor 10; minus strand). Cytogenetic location: 1p36.32.
Variant type: single nucleotide variant.
Coding change: c.364G>A on transcript NM_002617.4 (MANE Select); coding-DNA position 364, G replaced by A.
Protein change: p.Asp122Asn; replaces aspartic acid 122 with asparagine.
Molecular consequence: missense variant. On other transcripts: 5 prime UTR variant (2), non-coding transcript variant (1).
Genome position (GRCh38, 1-based): chr1:2,408,688, C>T on the plus strand (G>A on the coding strand, the complement: PEX10 is on the minus strand). VCF-style: chr1-2408688-C-T. GRCh37 (hg19) VCF-style: chr1-2340127-C-T.
Other names: c.364G>A, p.Asp122Asn (NM_001374425.1, NM_153818.2); c.-69G>A (NM_001374426.1, NM_001374427.1); short protein forms D122N.
Identifiers: ClinVar variation 1398852 (VCV001398852.6), dbSNP rs375855913, ClinGen allele CA538195.

ClinVar aggregate classification (germline): Uncertain significance (1 of 4 stars; one submission).

Conditions:
Peroxisome biogenesis disorder, complementation group 7 (CG7). Also called: Peroxisome biogenesis disorder, complementation group B. Identifiers: MedGen C1864399.

Allele frequency attached by ClinVar (database versions not stated): gnomAD exomes 0.00001; TOPMed 0.00001; gnomAD 0.00002; ESP Exome Variant Server 0.00015.
gnomAD v4.1: 10 of 1,612,966 alleles (0.00062%); highest among the groups gnomAD compares: South Asian, 0.0011%; no homozygotes.

Submission:

Labcorp Genetics (formerly Invitae), Labcorp
Classification: Uncertain significance for Peroxisome biogenesis disorder, complementation group 7. Last evaluated: 2025-10-11. Review status: criteria provided, single submitter. Criteria: Invitae Variant Classification Sherloc (09022015). Collection method: clinical testing. Allele origin: germline.
Comment: This sequence change replaces aspartic acid, which is acidic and polar, with asparagine, which is neutral and polar, at codon 122 of the PEX10 protein (p.Asp122Asn). This variant is present in population databases (rs375855913, gnomAD 0.002%). This variant has not been reported in the literature in individuals affected with PEX10-related conditions. ClinVar contains an entry for this variant (Variation ID: 1398852). An algorithm developed to predict the effect of missense changes on protein structure and function outputs the following: PolyPhen-2: "Benign". The asparagine amino acid residue is found in multiple mammalian species, which suggests that this missense change does not adversely affect protein function. In summary, the available evidence is currently insufficient to determine the role of this variant in disease. Therefore, it has been classified as a Variant of Uncertain Significance.